The following is an entry in ClinVar:

ClinVar aggregate classification (germline): Uncertain significance. Review status: criteria provided, multiple submitters, no conflicts (2 of 4 stars). 4 submissions from 4 submitters: Uncertain significance (3). 1 of the submissions does not count toward it. Last evaluated 2026-01-14.

Conditions:
TMEM127-related disorder. Also called: TMEM127-related condition.
Hereditary cancer-predisposing syndrome. Also called: Neoplastic Syndromes, Hereditary; Hereditary neoplastic syndrome; Tumor predisposition; Hereditary Cancer Syndrome. Identifiers: Orphanet 140162, MedGen C0027672, MeSH D009386, MONDO:0015356.
Hereditary pheochromocytoma and paraganglioma. Also called: Hereditary Paraganglioma-Pheochromocytoma Syndromes; Hereditary paragangliomas and pheochromocytomas; Hereditary pheochromocytoma-paraganglioma. Identifiers: Orphanet 29072, MedGen C4274332, MONDO:0017366.
Pheochromocytoma. Also called: MAX-Related Hereditary Paraganglioma-Pheochromocytoma Syndrome. Identifiers: Orphanet 29072, MedGen C0031511, MONDO:0008233, OMIM 171300, HP:0002666.

Allele frequency attached by ClinVar (database versions not stated): ExAC 0.00001; TOPMed 0.00001; gnomAD exomes 0.00002.
gnomAD v4.1: 35 of 1,613,954 alleles (0.0022%); highest among the groups gnomAD compares: Non-Finnish European, 0.0025%; no homozygotes.

Submissions (4):

Labcorp Genetics (formerly Invitae), Labcorp
Classification: Uncertain significance for Hereditary pheochromocytoma and paraganglioma. Last evaluated: 2026-01-14. Review status: criteria provided, single submitter. Criteria: Invitae Variant Classification Sherloc (09022015). Collection method: clinical testing. Allele origin: germline.
Comment: This sequence change replaces alanine, which is neutral and non-polar, with valine, which is neutral and non-polar, at codon 207 of the TMEM127 protein (p.Ala207Val). This variant is present in population databases (rs751044006, gnomAD 0.003%). This variant has not been reported in the literature in individuals affected with TMEM127-related conditions. ClinVar contains an entry for this variant (Variation ID: 405198). An algorithm developed to predict the effect of missense changes on protein structure and function (PolyPhen-2) suggests that this variant is likely to be disruptive. In summary, the available evidence is currently insufficient to determine the role of this variant in disease. Therefore, it has been classified as a Variant of Uncertain Significance.

Fulgent Genetics
Classification: Uncertain significance for Pheochromocytoma. Last evaluated: 2024-03-15. Review status: criteria provided, single submitter. Criteria: ACMG Guidelines, 2015. Collection method: clinical testing. Allele origin: germline.

Ambry Genetics
Classification: Uncertain significance for Hereditary cancer-predisposing syndrome. Last evaluated: 2024-01-29. Review status: criteria provided, single submitter. Criteria: Ambry Variant Classification Scheme 2023. Collection method: clinical testing. Allele origin: germline.
Comment: The p.A207V variant (also known as c.620C>T), located in coding exon 3 of the TMEM127 gene, results from a C to T substitution at nucleotide position 620. The alanine at codon 207 is replaced by valine, an amino acid with similar properties. This amino acid position is highly conserved in available vertebrate species. In addition, this alteration is predicted to be deleterious by in silico analysis. Based on the available evidence, the clinical significance of this alteration remains unclear.

PreventionGenetics, part of Exact Sciences
Classification: Uncertain significance for TMEM127-related condition. Last evaluated: 2024-02-08. Review status: no assertion criteria provided. Collection method: clinical testing. Allele origin: germline. Not counted in ClinVar's aggregate classification.
Comment: The TMEM127 c.620C>T variant is predicted to result in the amino acid substitution p.Ala207Val. To our knowledge, this variant has not been reported in the literature. This variant is reported in 0.0035% of alleles in individuals of European (Non-Finnish) descent in gnomAD. In ClinVar, this variant is interpreted as uncertain by multiple laboratories. At this time, the clinical significance of this variant is uncertain due to the absence of conclusive functional and genetic evidence.

NM_017849.4(TMEM127):c.620C>T (p.Ala207Val)

Gene: TMEM127 (transmembrane protein 127; minus strand). Cytogenetic location: 2q11.2.
Variant type: single nucleotide variant.
Coding change: c.620C>T on transcript NM_017849.4 (MANE Select); coding-DNA position 620, C replaced by T.
Protein change: p.Ala207Val; replaces alanine 207 with valine.
Molecular consequence: missense variant.
Genome position (GRCh38, 1-based): chr2:96,253,905, G>A on the plus strand (C>T on the coding strand, the complement: TMEM127 is on the minus strand). VCF-style: chr2-96253905-G-A. GRCh37 (hg19) VCF-style: chr2-96919643-G-A.
Other names: c.620C>T, p.Ala207Val (NM_001193304.3); short protein forms A207V.
Identifiers: ClinVar variation 405198 (VCV000405198.17), dbSNP rs751044006, ClinGen allele CA1777268.